The following is an entry in ClinVar:

NM_006946.4(SPTBN2):c.5950-2A>C

Gene: SPTBN2 (spectrin beta, non-erythrocytic 2; minus strand). Cytogenetic location: 11q13.2.
Variant type: single nucleotide variant.
Coding change: c.5950-2A>C on transcript NM_006946.4 (MANE Select); the canonical splice acceptor site of the intron before coding-DNA position 5950, A replaced by C.
Molecular consequence: splice acceptor variant.
Genome position (GRCh38, 1-based): chr11:66,689,182, T>G on the plus strand (A>C on the coding strand, the complement: SPTBN2 is on the minus strand). VCF-style: chr11-66689182-T-G. GRCh37 (hg19) VCF-style: chr11-66456653-T-G.
Other names: c.5971-2A>C (NM_001411025.1).
Identifiers: ClinVar variation 1485369 (VCV001485369.6), dbSNP rs1940361841, ClinGen allele CA381461369.
Genomic context (GRCh38, chr11:66,689,182, plus strand): 5'-TGCCACTTCTCAGCTGTCTCCTGGCGCCGTGCCTGCAGCTGAGACAGCTTCTCTGAGATC[T>G]GGGGGCGGGGGGCAGAGATATGAGTTAGCACCAGGATGTGAGATCTTTCCACGGCCCCTG-3'

ClinVar aggregate classification (germline): Likely pathogenic (1 of 4 stars; one submission).

Submission:

Labcorp Genetics (formerly Invitae), Labcorp
Classification: Likely pathogenic. Last evaluated: 2022-08-23. Review status: criteria provided, single submitter. Criteria: Invitae Variant Classification Sherloc (09022015). Collection method: clinical testing. Allele origin: germline.
Comment: This variant is not present in population databases (gnomAD no frequency). This sequence change affects an acceptor splice site in intron 28 of the SPTBN2 gene. It is expected to disrupt RNA splicing. Variants that disrupt the donor or acceptor splice site typically lead to a loss of protein function (PMID: 16199547), and loss-of-function variants in SPTBN2 are known to be pathogenic (PMID: 28636205). In summary, the currently available evidence indicates that the variant is pathogenic, but additional data are needed to prove that conclusively. Therefore, this variant has been classified as Likely Pathogenic. Algorithms developed to predict the effect of sequence changes on RNA splicing suggest that this variant may disrupt the consensus splice site. ClinVar contains an entry for this variant (Variation ID: 1485369). This variant has not been reported in the literature in individuals affected with SPTBN2-related conditions.

Literature cited by the submitters: PubMed 16199547; PubMed 28636205.